The following is an entry in ClinVar:

ClinVar aggregate classification (germline): Uncertain significance (1 of 4 stars; one submission).

Submission:

Labcorp Genetics (formerly Invitae), Labcorp
Classification: Uncertain significance. Last evaluated: 2025-03-07. Review status: criteria provided, single submitter. Criteria: Invitae Variant Classification Sherloc (09022015). Collection method: clinical testing. Allele origin: germline.
Comment: This sequence change falls in intron 14 of the GUCY2C gene. It does not directly change the encoded amino acid sequence of the GUCY2C protein. It affects a nucleotide within the consensus splice site. This variant is not present in population databases (gnomAD no frequency). This variant has not been reported in the literature in individuals affected with GUCY2C-related conditions. Variants that disrupt the consensus splice site are a relatively common cause of aberrant splicing (PMID: 17576681, 9536098). Algorithms developed to predict the effect of sequence changes on RNA splicing suggest that this variant is not likely to affect RNA splicing. In summary, the available evidence is currently insufficient to determine the role of this variant in disease. Therefore, it has been classified as a Variant of Uncertain Significance.

Literature cited by the submitters: PubMed 17576681; PubMed 9536098.

NM_004963.4(GUCY2C):c.1605+4T>G

Gene: GUCY2C (guanylate cyclase 2C; minus strand). Cytogenetic location: 12p12.3.
Variant type: single nucleotide variant.
Coding change: c.1605+4T>G on transcript NM_004963.4 (MANE Select); 4 bases into the intron after coding-DNA position 1605, T replaced by G.
Molecular consequence: intron variant.
Genome position (GRCh38, 1-based): chr12:14,651,955, A>C on the plus strand (T>G on the coding strand, the complement: GUCY2C is on the minus strand). VCF-style: chr12-14651955-A-C. GRCh37 (hg19) VCF-style: chr12-14804889-A-C.
Identifiers: ClinVar variation 4714612 (VCV004714612.1).